The following is an entry in ClinVar:

ClinVar aggregate classification (germline): Benign (0 of 4 stars; one submission).

Conditions:
SHROOM2-related disorder. Also called: SHROOM2-related condition.

Allele frequency attached by ClinVar (database versions not stated): ESP Exome Variant Server 0.00009; TOPMed 0.00108; gnomAD 0.00116; 1000 Genomes Project 30x 0.00458; 1000 Genomes Project 0.00556.
gnomAD v4.1: 1,362 of 1,208,712 alleles (0.11%); highest among the groups gnomAD compares: East Asian, 3.5%; 16 homozygotes.

Submission:

PreventionGenetics, part of Exact Sciences
Classification: Benign for SHROOM2-related condition. Last evaluated: 2024-09-11. Review status: no assertion criteria provided. Collection method: clinical testing. Allele origin: germline.
Comment: This variant is classified as benign based on ACMG/AMP sequence variant interpretation guidelines (Richards et al. 2015 PMID: 25741868, with internal and published modifications).

NM_001649.4(SHROOM2):c.3489G>A (p.Thr1163=)

Gene: SHROOM2 (shroom family member 2; plus strand). Cytogenetic location: Xp22.2.
Variant type: single nucleotide variant.
Coding change: c.3489G>A on transcript NM_001649.4 (MANE Select); coding-DNA position 3489, G replaced by A.
Protein change: p.Thr1163=; no amino-acid change (threonine 1163 retained).
Molecular consequence: synonymous variant. On other transcripts: 5 prime UTR variant (2).
Genome position (GRCh38, 1-based): chrX:9,932,772, G>A. VCF-style: chrX-9932772-G-A. GRCh37 (hg19) VCF-style: chrX-9900812-G-A.
Other names: c.-7G>A (NM_001320663.2, NM_001320664.2).
Identifiers: ClinVar variation 3039254 (VCV003039254.2), dbSNP rs140797565, ClinGen allele CA10345757.